The following is an entry in ClinVar:

NM_015506.3(MMACHC):c.366T>G (p.His122Gln)

Gene: MMACHC (metabolism of cobalamin associated C; plus strand). Cytogenetic location: 1p34.1.
Variant type: single nucleotide variant.
Coding change: c.366T>G on transcript NM_015506.3 (MANE Select); coding-DNA position 366, T replaced by G.
Protein change: p.His122Gln; replaces histidine 122 with glutamine.
Molecular consequence: missense variant.
Genome position (GRCh38, 1-based): chr1:45,508,301, T>G. VCF-style: chr1-45508301-T-G. GRCh37 (hg19) VCF-style: chr1-45973973-T-G.
Other names: c.195T>G, p.His65Gln (NM_001330540.2); short protein forms H65Q, H122Q.
Identifiers: ClinVar variation 1349817 (VCV001349817.9), dbSNP rs1643666556, ClinGen allele CA340132267.

ClinVar aggregate classification (germline): Conflicting classifications of pathogenicity. Review status: criteria provided, conflicting classifications (1 of 4 stars). 2 submissions from 2 submitters: Likely pathogenic (1); Uncertain significance (1). Last evaluated 2026-06-05.

Conditions:
Cobalamin C disease. Also called: Cobalamin-C methylmalonic acidemia and homocystinuria; Methylmalonic acidemia and homocystinuria cblC type; Methylmalonic aciduria and homocystinuria, Vitamin B12-responsive; Vitamin B12 metabolic defect with combined deficiency of methylmalonyl-CoA mutase and homocysteine:methyltetrahydrofolate methyltransferase; methylmalonic aciduria and homocystinuria type cblC; Methylmalonic aciduria with homocystinuria cblC type. Identifiers: Orphanet 26, Orphanet 79282, MedGen C1848561, MONDO:0010184, OMIM 277400.

Submissions (2):

Myriad Genetics, Inc.
Classification: Uncertain significance for Cobalamin C disease. Last evaluated: 2026-06-05. Review status: criteria provided, single submitter. Criteria: Myriad Autosomal Dominant, Autosomal Recessive and X-Linked Classification Criteria (2023). Collection method: clinical testing. Allele origin: unknown.
Comment: NM_015506.2(MMACHC):c.366T>G(H122Q) is a missense variant classified as a variant of uncertain significance in the context of methylmalonic aciduria and homocystinuria, cblC type. H122Q has not been observed in cases with relevant disease. Relevant functional assessments of this variant are not available in the literature. H122Q has not been observed in referenced population frequency databases. In summary, there is insufficient evidence to classify NM_015506.2(MMACHC):c.366T>G(H122Q) as pathogenic or benign. Please note: this variant was assessed in the context of healthy population screening.

Labcorp Genetics (formerly Invitae), Labcorp
Classification: Likely pathogenic for Cobalamin C disease. Last evaluated: 2020-11-13. Review status: criteria provided, single submitter. Criteria: Invitae Variant Classification Sherloc (09022015). Collection method: clinical testing. Allele origin: germline.
Comment: In summary, the currently available evidence indicates that the variant is pathogenic, but additional data are needed to prove that conclusively. Therefore, this variant has been classified as Likely Pathogenic. This sequence change replaces histidine with glutamine at codon 122 of the MMACHC protein (p.His122Gln). The histidine residue is highly conserved and there is a small physicochemical difference between histidine and glutamine. This variant is not present in population databases (ExAC no frequency). This variant has not been reported in the literature in individuals with MMACHC-related conditions. Advanced modeling of protein sequence and biophysical properties (such as structural, functional, and spatial information, amino acid conservation, physicochemical variation, residue mobility, and thermodynamic stability) performed at Invitae indicates that this missense variant is expected to disrupt MMACHC protein function. Algorithms developed to predict the effect of sequence changes on RNA splicing suggest that this variant may create or strengthen a splice site, but this prediction has not been confirmed by published transcriptional studies. This variant disrupts the p.His122 amino acid residue in MMACHC. Other variant(s) that disrupt this residue have been determined to be pathogenic (PMID: 26253414, 23591356, 31574870). This suggests that this residue is clinically significant, and that variants that disrupt this residue are likely to be disease-causing.

Literature cited by the submitters: PubMed 26253414 (cited by Labcorp Genetics (formerly Invitae), Labcorp); PubMed 23591356 (cited by Labcorp Genetics (formerly Invitae), Labcorp); PubMed 31574870 (cited by Labcorp Genetics (formerly Invitae), Labcorp).